The following is an entry in ClinVar:

ClinVar aggregate classification (germline): Uncertain significance (1 of 4 stars; one submission).

Conditions:
Left ventricular noncompaction 1 (LVNC1). Also called: LEFT VENTRICULAR NONCOMPACTION 1 WITH OR WITHOUT CONGENITAL HEART DEFECTS. Identifiers: Orphanet 54260, MedGen C1858725, MONDO:0011403, OMIM 604169.

Allele frequency attached by ClinVar (database versions not stated): gnomAD exomes below 0.00001.
gnomAD v4.1: 2 of 1,613,140 alleles (0.00012%); highest among the groups gnomAD compares: Non-Finnish European, 0.00017%; no homozygotes.

Submission:

Labcorp Genetics (formerly Invitae), Labcorp
Classification: Uncertain significance for Left ventricular noncompaction 1. Last evaluated: 2021-12-25. Review status: criteria provided, single submitter. Criteria: Invitae Variant Classification Sherloc (09022015). Collection method: clinical testing. Allele origin: germline.
Comment: This sequence change replaces isoleucine, which is neutral and non-polar, with valine, which is neutral and non-polar, at codon 2 of the DTNA protein (p.Ile2Val). This variant is not present in population databases (gnomAD no frequency). This variant has not been reported in the literature in individuals affected with DTNA-related conditions. Algorithms developed to predict the effect of missense changes on protein structure and function are either unavailable or do not agree on the potential impact of this missense change (SIFT: "Tolerated"; PolyPhen-2: "Probably Damaging"; Align-GVGD: "Class C0"). In summary, the available evidence is currently insufficient to determine the role of this variant in disease. Therefore, it has been classified as a Variant of Uncertain Significance.

NM_001386795.1(DTNA):c.4A>G (p.Ile2Val)

Genes: DTNA (dystrobrevin alpha; plus strand), DTNA-AS1 (DTNA antisense RNA 1; minus strand). Cytogenetic location: 18q12.1.
Variant type: single nucleotide variant.
Coding change: c.4A>G on transcript NM_001386795.1 (MANE Select); coding-DNA position 4, A replaced by G.
Protein change: p.Ile2Val; replaces isoleucine 2 with valine.
Molecular consequence: missense variant.
Genome position (GRCh38, 1-based): chr18:34,755,980, A>G. VCF-style: chr18-34755980-A-G. GRCh37 (hg19) VCF-style: chr18-32335944-A-G.
Other names: c.4A>G, p.Ile2Val (NM_001128175.2, NM_001198938.2, NM_001198939.2 and 35 more transcripts); short protein forms I2V.
Identifiers: ClinVar variation 1959610 (VCV001959610.5), dbSNP rs984784834, ClinGen allele CA298583972.
Genomic context (GRCh38, chr18:34,755,980, plus strand): 5'-GCTTCTTGCCTCAATAGCGTGAGGATAATACACATTGTAACTATTTTGTCTCATAGAATG[A>G]TTGAAGATAGTGGGAAAAGAGGAAATACCATGGCAGAAAGAAGACAGCTGTTTGCAGAGA-3'
Protein context (NP_001373724.1, residues 1-12): M[Ile2Val]EDSGKRGNTM